The following is an entry in ClinVar:

NM_000057.4(BLM):c.814A>T (p.Lys272Ter)

Gene: BLM (BLM RecQ like helicase; plus strand). Cytogenetic location: 15q26.1.
Variant type: single nucleotide variant.
Coding change: c.814A>T on transcript NM_000057.4 (MANE Select); coding-DNA position 814, A replaced by T.
Protein change: p.Lys272Ter; replaces lysine 272 with a stop codon.
Molecular consequence: nonsense. On other transcripts: 5 prime UTR variant (1).
Genome position (GRCh38, 1-based): chr15:90,751,801, A>T. VCF-style: chr15-90751801-A-T. GRCh37 (hg19) VCF-style: chr15-91295031-A-T.
Other names: c.814A>T, p.Lys272Ter (NM_001287246.2, NM_001287247.2); c.-478A>T (NM_001287248.2); short protein forms K272*.
Identifiers: ClinVar variation 2736257 (VCV002736257.4), dbSNP rs1895691198, ClinGen allele CA393841641.

ClinVar aggregate classification (germline): Pathogenic. Review status: criteria provided, multiple submitters, no conflicts (2 of 4 stars). 2 submissions from 2 submitters: Pathogenic (2). Last evaluated 2025-12-04.

Conditions:
Bloom syndrome (BLM). Also called: Bloom-Torre-Machacek syndrome. Identifiers: Orphanet 125, MedGen C0005859, MONDO:0008876, OMIM 210900.

Allele frequency attached by ClinVar (database versions not stated): TOPMed below 0.00001.

Submissions (2):

Myriad Genetics, Inc.
Classification: Pathogenic for Bloom syndrome. Last evaluated: 2025-12-04. Review status: criteria provided, single submitter. Criteria: Myriad Autosomal Dominant, Autosomal Recessive and X-Linked Classification Criteria (2023). Collection method: clinical testing. Allele origin: unknown.
Comment: NM_000057.3(BLM):c.814A>T(K272*) is a nonsense variant classified as pathogenic in the context of Bloom syndrome. NM_000057.3(BLM):c.814A>T(K272*) has been observed in a case with relevant disease (PMID: 17407155). Relevant functional assessments of this variant are not available in the literature. NM_000057.3(BLM):c.814A>T(K272*) has not been observed in referenced population frequency databases. In summary, NM_000057.3(BLM):c.814A>T(K272*) is a nonsense variant in a gene where loss of function is a known mechanism of disease, is predicted to disrupt protein function, and has been observed more frequently in cases with the relevant disease than in healthy populations. Please note: this variant was assessed in the context of healthy population screening.

Labcorp Genetics (formerly Invitae), Labcorp
Classification: Pathogenic for Bloom syndrome. Last evaluated: 2023-07-28. Review status: criteria provided, single submitter. Criteria: Invitae Variant Classification Sherloc (09022015). Collection method: clinical testing. Allele origin: germline.
Comment: This variant is not present in population databases (gnomAD no frequency). This sequence change creates a premature translational stop signal (p.Lys272*) in the BLM gene. It is expected to result in an absent or disrupted protein product. Loss-of-function variants in BLM are known to be pathogenic (PMID: 17407155). For these reasons, this variant has been classified as Pathogenic. This variant is also known as A>T at position 888. This premature translational stop signal has been observed in individual(s) with Bloom syndrome (PMID: 7585968).

Literature cited by the submitters: PubMed 17407155 (cited by Myriad Genetics, Inc. and Labcorp Genetics (formerly Invitae), Labcorp); PubMed 7585968 (cited by Labcorp Genetics (formerly Invitae), Labcorp).